The following is an entry in ClinVar:

ClinVar aggregate classification (germline): Uncertain significance. Review status: criteria provided, single submitter (1 of 4 stars). 3 submissions from 3 submitters: Uncertain significance (1). 2 of the submissions do not count toward it. Last evaluated 2023-10-03.

Conditions:
Asphyxiating thoracic dystrophy 3. Also called: Short rib polydactyly syndrome 2B; POLYDACTYLY WITH NEONATAL CHONDRODYSTROPHY, TYPE I; SHORT-RIB THORACIC DYSPLASIA 3/6 WITH POLYDACTYLY, DIGENIC; Saldino-Noonan Syndrome; SHORT-RIB THORACIC DYSPLASIA 3 WITH OR WITHOUT POLYDACTYLY. Identifiers: Orphanet 474, Orphanet 93269, Orphanet 93270, Orphanet 93271, MedGen C0036069, MONDO:0013127, OMIM 613091.

Allele frequency attached by ClinVar (database versions not stated): gnomAD exomes 0.00001; ExAC 0.00002; TOPMed 0.00002; gnomAD 0.00004.
gnomAD v4.1: 14 of 1,602,814 alleles (0.00087%); highest among the groups gnomAD compares: African/African-American, 0.0081%; no homozygotes.

Submissions (3):

Women's Health and Genetics/Laboratory Corporation of America, LabCorp
Classification: Uncertain significance. Last evaluated: 2023-10-03. Review status: criteria provided, single submitter. Criteria: LabCorp Variant Classification Summary - May 2015. Collection method: clinical testing. Allele origin: germline.
Comment: Variant summary: DYNC2H1 c.740G>A (p.Arg247Gln) results in a conservative amino acid change located in the Dynein heavy chain, tail (IPR013594) of the encoded protein sequence. Four of five in-silico tools predict a damaging effect of the variant on protein function. The variant allele was found at a frequency of 1.2e-05 in 243188 control chromosomes (gnomAD). The available data on variant occurrences in the general population are insufficient to allow any conclusion about variant significance. c.740G>A has been reported in the literature in a heterozygous individual affected with Short-rib polydactyly syndrome type 3 without a second variant identified (Zhang_2018). This report does not provide unequivocal conclusions about association of the variant with Short-rib thoracic dysplasia. To our knowledge, no experimental evidence demonstrating an impact on protein function has been reported. The following publication has been ascertained in the context of this evaluation (PMID: 29068549). One submitter has cited a clinical-significance assessment for this variant to ClinVar after 2014 and has classified the variant as uncertain significance. Based on the evidence outlined above, the variant was classified as uncertain significance.

Dan Cohn Lab, University Of California Los Angeles
Classification: Uncertain significance for Asphyxiating thoracic dystrophy 3. Last evaluated: 2017-06-01. Review status: no assertion criteria provided. Collection method: research. Allele origin: paternal. Affected: yes. Not counted in ClinVar's aggregate classification.

University of Washington Center for Mendelian Genomics, University of Washington
Classification: Likely pathogenic for Asphyxiating thoracic dystrophy 3. Review status: no assertion criteria provided. Collection method: research. Allele origin: inherited. Affected: yes. Not counted in ClinVar's aggregate classification.

Literature cited by the submitters: PubMed 29068549 (cited by 3 submitters).

NM_001377.3(DYNC2H1):c.740G>A (p.Arg247Gln)

Gene: DYNC2H1 (dynein cytoplasmic 2 heavy chain 1; plus strand). Cytogenetic location: 11q22.3.
Variant type: single nucleotide variant.
Coding change: c.740G>A on transcript NM_001377.3 (MANE Select); coding-DNA position 740, G replaced by A.
Protein change: p.Arg247Gln; replaces arginine 247 with glutamine.
Molecular consequence: missense variant.
Genome position (GRCh38, 1-based): chr11:103,116,688, G>A. VCF-style: chr11-103116688-G-A. GRCh37 (hg19) VCF-style: chr11-102987417-G-A.
Other names: c.740G>A, p.Arg247Gln (NM_001080463.2); short protein forms R247Q.
Identifiers: ClinVar variation 446682 (VCV000446682.4), dbSNP rs761391585, ClinGen allele CA6252578.
Genomic context (GRCh38, chr11:103,116,688, plus strand): 5'-CTCAGGATGTTGTAGATGATGTGTGGAGACAAACAGAACATGATCATTATCCTGAGTCAC[G>A]AATGTTGCATCTCTTAGACATCATAGGTACTAGTAAAAAAATGAACTTTTGGAATTTTGA-3'
Protein context (NP_001368.2, residues 237-257): QTEHDHYPES[Arg247Gln]MLHLLDIIGG